The following is an entry in ClinVar:

NM_057175.5(NAA15):c.850T>G (p.Trp284Gly)

Gene: NAA15 (N-alpha-acetyltransferase 15, NatA auxiliary subunit; plus strand). Cytogenetic location: 4q31.1.
Variant type: single nucleotide variant.
Coding change: c.850T>G on transcript NM_057175.5 (MANE Select); coding-DNA position 850, T replaced by G.
Protein change: p.Trp284Gly; replaces tryptophan 284 with glycine.
Molecular consequence: missense variant.
Genome position (GRCh38, 1-based): chr4:139,351,229, T>G. VCF-style: chr4-139351229-T-G. GRCh37 (hg19) VCF-style: chr4-140272383-T-G.
Other names: c.850T>G (NM_057175.3); short protein forms W284G.
Identifiers: ClinVar variation 1049186 (VCV001049186.32), dbSNP rs202230897, ClinGen allele CA3083492.

ClinVar aggregate classification (germline): Conflicting classifications of pathogenicity. Review status: criteria provided, conflicting classifications (1 of 4 stars). 6 submissions from 6 submitters: Uncertain significance (1); Benign (2); Likely benign (2). 1 of the submissions does not count toward it. Last evaluated 2025-09-07.

Conditions:
Inborn genetic diseases. Identifiers: MedGen C0950123, MeSH D030342.
Intellectual disability. Also called: Intellectual functioning disability; intellectual disabilities; Intellectual developmental disorder. Identifiers: MedGen C3714756, MeSH D008607, MONDO:0001071, HP:0001249.

Allele frequency attached by ClinVar (database versions not stated): gnomAD exomes 0.00020 and 0.00028; ExAC 0.00023; gnomAD 0.00028 and 0.00046; TOPMed 0.00047; ESP Exome Variant Server 0.00051.
gnomAD v4.1: 461 of 1,608,050 alleles (0.029%); highest among the groups gnomAD compares: Non-Finnish European, 0.035%; 2 homozygotes.

Submissions (6):

Labcorp Genetics (formerly Invitae), Labcorp
Classification: Uncertain significance. Last evaluated: 2025-09-07. Review status: criteria provided, single submitter. Criteria: Invitae Variant Classification Sherloc (09022015). Collection method: clinical testing. Allele origin: germline.
Comment: This sequence change replaces tryptophan, which is neutral and slightly polar, with glycine, which is neutral and non-polar, at codon 284 of the NAA15 protein (p.Trp284Gly). This variant is present in population databases (rs202230897, gnomAD 0.04%), and has an allele count higher than expected for a pathogenic variant. This variant has not been reported in the literature in individuals affected with NAA15-related conditions. ClinVar contains an entry for this variant (Variation ID: 1049186). An algorithm developed to predict the effect of missense changes on protein structure and function (PolyPhen-2) suggests that this variant is likely to be tolerated. In summary, the available evidence is currently insufficient to determine the role of this variant in disease. Therefore, it has been classified as a Variant of Uncertain Significance.

CeGaT Center for Human Genetics Tuebingen
Classification: Benign. Last evaluated: 2025-06-01. Review status: criteria provided, single submitter. Criteria: CeGaT Center For Human Genetics Tuebingen Variant Classification Criteria Version 2. Collection method: clinical testing. Allele origin: germline. Affected: yes. Observed: 3 variant alleles.
Comment: NAA15: BS1, BS2

Blueprint Genetics
Classification: Likely benign. Last evaluated: 2024-10-22. Review status: criteria provided, single submitter. Criteria: ACMG Guidelines, 2015. Collection method: clinical testing. Allele origin: germline.

Ambry Genetics
Classification: Likely benign for Inborn genetic diseases. Last evaluated: 2022-06-17. Review status: criteria provided, single submitter. Criteria: Ambry Variant Classification Scheme 2023. Collection method: clinical testing. Allele origin: germline.

Cambridge Genomics Laboratory, East Genomic Laboratory Hub, NHS Genomic Medicine Service
Classification: Benign for Intellectual disability. Last evaluated: 2019-11-11. Review status: criteria provided, single submitter. Criteria: ACGS Best Practice Guidelines for Variant Classification in Rare Disease 2020. Collection method: clinical testing. Allele origin: germline. Affected: yes. Observed: 1 variant allele.

Department of Pathology and Laboratory Medicine, Sinai Health System
Classification: Likely benign. Review status: no assertion criteria provided. Collection method: clinical testing. Allele origin: unknown. Affected: yes. Study: The Canadian Open Genetics Repository (COGR). Not counted in ClinVar's aggregate classification.
Comment: The NAA15 p.Trp284Gly variant was not identified in the literature nor was it identified in ClinVar, Cosmic or LOVD 3.0. The variant was identified in dbSNP (ID: rs202230897) and in control databases in 61 of 279916 chromosomes (1 homozygous) at a frequency of 0.000218 (Genome Aggregation Database Feb 27, 2017). The variant was observed in the following populations: European (non-Finnish) in 55 of 128422 chromosomes (freq: 0.000428), Latino in 4 of 35144 chromosomes (freq: 0.000114) and African in 2 of 24166 chromosomes (freq: 0.000083); it was not observed in the Ashkenazi Jewish, East Asian, European (Finnish), Other or South Asian populations. The p.Trp284 residue is conserved in mammals and computational analyses (PolyPhen-2, SIFT, AlignGVGD, BLOSUM, MutationTaster) provide inconsistent predictions regarding the impact to the protein; this information is not very predictive of pathogenicity. The variant occurs outside of the splicing consensus sequence and in silico or computational prediction software programs (SpliceSiteFinder, MaxEntScan, NNSPLICE, GeneSplicer) do not predict a difference in splicing. In summary, based on the above information the clinical significance of this variant cannot be determined with certainty at this time although we would lean towards a more benign role for this variant. This variant is classified as likely benign.